The following is an entry in ClinVar:

ClinVar aggregate classification (germline): Likely benign (1 of 4 stars; one submission).

Allele frequency attached by ClinVar (database versions not stated): gnomAD exomes 0.00049.
gnomAD v4.1: 500 of 1,079,078 alleles (0.046%); highest among the groups gnomAD compares: South Asian, 0.33%; 6 homozygotes.

Submission:

CeGaT Center for Human Genetics Tuebingen
Classification: Likely benign. Last evaluated: 2026-07-01. Review status: criteria provided, single submitter. Criteria: CeGaT Center For Human Genetics Tuebingen Variant Classification Criteria Version 2. Collection method: clinical testing. Allele origin: germline. Affected: yes. Observed: 7 variant alleles.
Comment: HLA-DRB1: BP4, BS2

NM_002124.4(HLA-DRB1):c.652+3G>A

Gene: HLA-DRB1 (major histocompatibility complex, class II, DR beta 1; minus strand). Cytogenetic location: 6p21.32.
Variant type: single nucleotide variant.
Coding change: c.652+3G>A on transcript NM_002124.4 (MANE Select); 3 bases into the intron after coding-DNA position 652, G replaced by A.
Molecular consequence: intron variant.
Genome position (GRCh38, 1-based): chr6:32,581,554, C>T on the plus strand (G>A on the coding strand, the complement: HLA-DRB1 is on the minus strand). VCF-style: chr6-32581554-C-T. GRCh37 (hg19) VCF-style: chr6-32549331-C-T.
Identifiers: ClinVar variation 2656459 (VCV002656459.24), dbSNP rs34309628, ClinGen allele CA3742937.